The following is an entry in ClinVar:

ClinVar aggregate classification (germline): Uncertain significance (1 of 4 stars; one submission).

Conditions:
Multiple endocrine neoplasia, type 1 (MEN1). Also called: Endocrine adenomatosis multiple; MEN 1; MEA I; MEN I; WERMER SYNDROME. Identifiers: Orphanet 652, MedGen C0025267, MeSH D018761, MONDO:0007540, OMIM 131100.

Submission:

Labcorp Genetics (formerly Invitae), Labcorp
Classification: Uncertain significance for Multiple endocrine neoplasia, type 1. Last evaluated: 2023-10-10. Review status: criteria provided, single submitter. Criteria: Invitae Variant Classification Sherloc (09022015). Collection method: clinical testing. Allele origin: unknown.
Comment: This variant is a gross deletion that occurs in a non-coding region of the MEN1 gene. It does not change the encoded amino acid sequence of the MEN1 protein. This variant has not been reported in the literature in individuals affected with MEN1-related conditions. Experimental studies and prediction algorithms are not available or were not evaluated, and the functional significance of this variant is currently unknown. In summary, the available evidence is currently insufficient to determine the role of this variant in disease. Therefore, it has been classified as a Variant of Uncertain Significance.

NC_000011.9:g.(?_64578102)_(64578188_?)del

Gene: MEN1 (menin 1; minus strand). Cytogenetic location: 11q13.1.
Variant type: Deletion.
Identifiers: ClinVar variation 3244546 (VCV003244546.1).